The following is an entry in ClinVar:

NM_001243925.2(MAPKAPK3):c.125A>C (p.Asp42Ala)

Gene: MAPKAPK3 (MAPK activated protein kinase 3; plus strand). Cytogenetic location: 3p21.2.
Variant type: single nucleotide variant.
Coding change: c.125A>C on transcript NM_001243925.2 (MANE Select); coding-DNA position 125, A replaced by C.
Protein change: p.Asp42Ala; replaces aspartic acid 42 with alanine.
Molecular consequence: missense variant.
Genome position (GRCh38, 1-based): chr3:50,617,690, A>C. VCF-style: chr3-50617690-A-C. GRCh37 (hg19) VCF-style: chr3-50655121-A-C.
Other names: c.125A>C, p.Asp42Ala (NM_001243926.2, NM_004635.5); short protein forms D42A.
Identifiers: ClinVar variation 2734213 (VCV002734213.3), dbSNP rs1338275124, ClinGen allele CA352961514.

ClinVar aggregate classification (germline): Uncertain significance (1 of 4 stars; one submission).

Allele frequency attached by ClinVar (database versions not stated): TOPMed below 0.00001; gnomAD 0.00001.
gnomAD v4.1: 1 of 1,613,406 alleles (0.000062%); highest among the groups gnomAD compares: Non-Finnish European, 0.000085%; no homozygotes.

Submission:

Labcorp Genetics (formerly Invitae), Labcorp
Classification: Uncertain significance. Last evaluated: 2023-06-30. Review status: criteria provided, single submitter. Criteria: Invitae Variant Classification Sherloc (09022015). Collection method: clinical testing. Allele origin: germline.
Comment: An algorithm developed to predict the effect of missense changes on protein structure and function (PolyPhen-2) suggests that this variant is likely to be disruptive. In summary, the available evidence is currently insufficient to determine the role of this variant in disease. Therefore, it has been classified as a Variant of Uncertain Significance. This variant has not been reported in the literature in individuals affected with MAPKAPK3-related conditions. This sequence change replaces aspartic acid, which is acidic and polar, with alanine, which is neutral and non-polar, at codon 42 of the MAPKAPK3 protein (p.Asp42Ala). This variant is not present in population databases (gnomAD no frequency).